The following is an entry in ClinVar:

NM_001042475.3(CEP85L):c.1737C>T (p.Thr579=)

Gene: CEP85L (centrosomal protein 85L; minus strand). Cytogenetic location: 6q22.31.
Variant type: single nucleotide variant.
Coding change: c.1737C>T on transcript NM_001042475.3 (MANE Select); coding-DNA position 1737, C replaced by T.
Protein change: p.Thr579=; no amino-acid change (threonine 579 retained).
Molecular consequence: synonymous variant.
Genome position (GRCh38, 1-based): chr6:118,481,787, G>A on the plus strand (C>T on the coding strand, the complement: CEP85L is on the minus strand). VCF-style: chr6-118481787-G-A. GRCh37 (hg19) VCF-style: chr6-118802950-G-A.
Other names: c.1746C>T, p.Thr582= (NM_001178035.2).
Identifiers: ClinVar variation 4983901 (VCV004983901.1).

ClinVar aggregate classification (germline): Likely benign (1 of 4 stars; one submission).

Conditions:
CEP85L-related disorder. Also called: CEP85L-related condition.

gnomAD v4.1: 227 of 1,572,494 alleles (0.014%); highest among the groups gnomAD compares: African/African-American, 0.27%; no homozygotes.

Submission:

PreventionGenetics, part of Exact Sciences
Classification: Likely benign for CEP85L-related condition. Last evaluated: 2025-01-24. Review status: criteria provided, single submitter. Criteria: ACMG Guidelines, 2015. Collection method: clinical testing. Allele origin: germline.
Comment: This variant is classified as likely benign based on ACMG/AMP sequence variant interpretation guidelines (Richards et al. 2015 PMID: 25741868, with internal and published modifications).